The following is an entry in ClinVar:

NM_021147.5(CCNO):c.219C>G (p.Ser73Arg)

Gene: CCNO (cyclin O; minus strand). Cytogenetic location: 5q11.2.
Variant type: single nucleotide variant.
Coding change: c.219C>G on transcript NM_021147.5 (MANE Select); coding-DNA position 219, C replaced by G.
Protein change: p.Ser73Arg; replaces serine 73 with arginine.
Molecular consequence: missense variant. On other transcripts: non-coding transcript variant (2).
Genome position (GRCh38, 1-based): chr5:55,233,305, G>C on the plus strand (C>G on the coding strand, the complement: CCNO is on the minus strand). VCF-style: chr5-55233305-G-C. GRCh37 (hg19) VCF-style: chr5-54529133-G-C.
Other names: short protein forms S73R.
Identifiers: ClinVar variation 1481673 (VCV001481673.3), dbSNP rs1405417412, ClinGen allele CA359724883.

ClinVar aggregate classification (germline): Uncertain significance (1 of 4 stars; one submission).

Conditions:
Primary ciliary dyskinesia. Also called: Ciliary dyskinesia. Identifiers: Orphanet 244, MedGen C0008780, MONDO:0016575, HP:0012265.

Allele frequency attached by ClinVar (database versions not stated): gnomAD 0.00001.

Submission:

Labcorp Genetics (formerly Invitae), Labcorp
Classification: Uncertain significance for Primary ciliary dyskinesia. Last evaluated: 2021-10-14. Review status: criteria provided, single submitter. Criteria: Invitae Variant Classification Sherloc (09022015). Collection method: clinical testing. Allele origin: germline.
Comment: This sequence change replaces serine with arginine at codon 73 of the CCNO protein (p.Ser73Arg). The serine residue is weakly conserved and there is a moderate physicochemical difference between serine and arginine. This variant is not present in population databases (ExAC no frequency). This variant has not been reported in the literature in individuals affected with CCNO-related conditions. Algorithms developed to predict the effect of missense changes on protein structure and function are either unavailable or do not agree on the potential impact of this missense change (SIFT: "Tolerated"; PolyPhen-2: "Possibly Damaging"; Align-GVGD: "Class C0"). In summary, the available evidence is currently insufficient to determine the role of this variant in disease. Therefore, it has been classified as a Variant of Uncertain Significance.